The following is an entry in ClinVar:

ClinVar aggregate classification (germline): Uncertain significance (1 of 4 stars; one submission).

Conditions:
Epilepsy. Also called: Seizure disorder. Identifiers: MedGen C0014544, MeSH D004827, MONDO:0005027.

Allele frequency attached by ClinVar (database versions not stated): gnomAD exomes 0.00001 and 0.00002; TOPMed 0.00001; ExAC 0.00002.

Submission:

Labcorp Genetics (formerly Invitae), Labcorp
Classification: Uncertain significance for Epilepsy. Last evaluated: 2021-08-31. Review status: criteria provided, single submitter. Criteria: Invitae Variant Classification Sherloc (09022015). Collection method: clinical testing. Allele origin: germline.
Comment: This sequence change replaces arginine with histidine at codon 545 of the PIGQ protein (p.Arg545His). The arginine residue is moderately conserved and there is a small physicochemical difference between arginine and histidine. This variant is present in population databases (rs749557732, ExAC 0.006%). This variant has not been reported in the literature in individuals affected with PIGQ-related conditions. Algorithms developed to predict the effect of missense changes on protein structure and function are either unavailable or do not agree on the potential impact of this missense change (SIFT: "Tolerated"; PolyPhen-2: "Possibly Damaging"; Align-GVGD: "Class C0"). In summary, the available evidence is currently insufficient to determine the role of this variant in disease. Therefore, it has been classified as a Variant of Uncertain Significance.

NM_004204.5(PIGQ):c.1634G>A (p.Arg545His)

Gene: PIGQ (phosphatidylinositol glycan anchor biosynthesis class Q; plus strand). Cytogenetic location: 16p13.3.
Variant type: single nucleotide variant.
Coding change: c.1634G>A on transcript NM_004204.5 (MANE Select); coding-DNA position 1634, G replaced by A.
Protein change: p.Arg545His; replaces arginine 545 with histidine.
Molecular consequence: missense variant. On other transcripts: synonymous variant (1).
Genome position (GRCh38, 1-based): chr16:582,923, G>A. VCF-style: chr16-582923-G-A. GRCh37 (hg19) VCF-style: chr16-632923-G-A.
Other names: c.1572G>A, p.Pro524= (NM_148920.4); short protein forms R545H.
Identifiers: ClinVar variation 566871 (VCV000566871.8), dbSNP rs749557732, ClinGen allele CA7780500.